The following is an entry in ClinVar:

ClinVar aggregate classification (germline): Pathogenic (1 of 4 stars; one submission).

Conditions:
Spastic paraplegia. Identifiers: MedGen C0037772, HP:0001258.

Submission:

Labcorp Genetics (formerly Invitae), Labcorp
Classification: Pathogenic for Spastic paraplegia. Last evaluated: 2024-07-18. Review status: criteria provided, single submitter. Criteria: Invitae Variant Classification Sherloc (09022015). Collection method: clinical testing. Allele origin: germline.
Comment: This sequence change creates a premature translational stop signal (p.Lys285Argfs*3) in the CYP2U1 gene. It is expected to result in an absent or disrupted protein product. Loss-of-function variants in CYP2U1 are known to be pathogenic (PMID: 23176821, 26936192, 27292318). This variant is present in population databases (rs762698300, gnomAD 0.004%). This variant has not been reported in the literature in individuals affected with CYP2U1-related conditions. ClinVar contains an entry for this variant (Variation ID: 970169). For these reasons, this variant has been classified as Pathogenic.

Literature cited by the submitters: PubMed 23176821; PubMed 26936192; PubMed 27292318.

NM_183075.3(CYP2U1):c.854del (p.Lys285fs)

Gene: CYP2U1 (cytochrome P450 family 2 subfamily U member 1; plus strand). Cytogenetic location: 4q25.
Variant type: Deletion.
Coding change: c.854del on transcript NM_183075.3 (MANE Select); coding-DNA position 854, one base deleted (A; older notation c.854delA).
Protein change: p.Lys285fs; shifts the reading frame from lysine 285.
Molecular consequence: frameshift variant.
Genome position (GRCh38, 1-based): chr4:107,945,333, A deleted; the last of 2 consecutive A bases (chr4:107,945,332-107,945,333); deleting either gives the same sequence. VCF-style (leftmost placement, unchanged base first): chr4-107945331-TA-T. GRCh37 (hg19) VCF-style: chr4-108866487-TA-T.
Other names: short protein forms K285fs.
Identifiers: ClinVar variation 970169 (VCV000970169.6), dbSNP rs762698300, ClinGen allele CA3037071.